The following is an entry in ClinVar:

NM_022765.4(MICAL1):c.3092A>T (p.Asp1031Val)

Gene: MICAL1 (microtubule associated monooxygenase, calponin and LIM domain containing 1; minus strand). Cytogenetic location: 6q21.
Variant type: single nucleotide variant.
Coding change: c.3092A>T on transcript NM_022765.4 (MANE Select); coding-DNA position 3092, A replaced by T.
Protein change: p.Asp1031Val; replaces aspartic acid 1031 with valine.
Molecular consequence: missense variant.
Genome position (GRCh38, 1-based): chr6:109,444,303, T>A on the plus strand (A>T on the coding strand, the complement: MICAL1 is on the minus strand). VCF-style: chr6-109444303-T-A. GRCh37 (hg19) VCF-style: chr6-109765506-T-A.
Other names: c.2834A>T, p.Asp945Val (NM_001159291.2); c.3149A>T, p.Asp1050Val (NM_001286613.2); short protein forms D1050V, D1031V, D945V.
Identifiers: ClinVar variation 3644906 (VCV003644906.2).
Genomic context (GRCh38, chr6:109,444,303, plus strand): 5'-TGGAAGCGGATGAGGGCATCTCTCTGGTTGACCAAATCCACCAGCTTCCTCAGGACCTGG[T>A]CCTCAGCCTGCCGATCAGCAGCTGTCTTTAGGTTTTCTAAAAGGAGGAGACAAAGCTTAG-3'
Protein context (NP_073602.3, residues 1021-1041): LKTAADRQAE[Asp1031Val]QVLRKLVDLV

ClinVar aggregate classification (germline): Uncertain significance (1 of 4 stars; one submission).

Submission:

Labcorp Genetics (formerly Invitae), Labcorp
Classification: Uncertain significance. Last evaluated: 2024-07-30. Review status: criteria provided, single submitter. Criteria: Invitae Variant Classification Sherloc (09022015). Collection method: clinical testing. Allele origin: germline.
Comment: This sequence change replaces aspartic acid, which is acidic and polar, with valine, which is neutral and non-polar, at codon 1050 of the MICAL1 protein (p.Asp1050Val). This variant is not present in population databases (gnomAD no frequency). This variant has not been reported in the literature in individuals affected with MICAL1-related conditions. An algorithm developed to predict the effect of missense changes on protein structure and function (PolyPhen-2) suggests that this variant is likely to be tolerated. In summary, the available evidence is currently insufficient to determine the role of this variant in disease. Therefore, it has been classified as a Variant of Uncertain Significance.